The following is an entry in ClinVar:

ClinVar aggregate classification (germline): Conflicting classifications of pathogenicity. Review status: criteria provided, conflicting classifications (1 of 4 stars). 4 submissions from 4 submitters: Uncertain significance (1); Likely benign (3). Last evaluated 2026-03-25.

Conditions:
TMEM231-related disorder. Also called: TMEM231-related condition.
Meckel syndrome, type 11 (MKS11). Identifiers: Orphanet 564, MedGen C3809352, MONDO:0014164, OMIM 615397.
Joubert syndrome 20 (JBTS20). Identifiers: Orphanet 475, MedGen C3554235, MONDO:0013994, OMIM 614970.

Allele frequency attached by ClinVar (database versions not stated): gnomAD 0.00003 and 0.00005; gnomAD exomes 0.00004 and 0.00006; 1000 Genomes Project 30x 0.00031; 1000 Genomes Project 0.00040.
gnomAD v4.1: 90 of 1,436,062 alleles (0.0063%); highest among the groups gnomAD compares: South Asian, 0.039%; no homozygotes.

Submissions (4):

PreventionGenetics, part of Exact Sciences
Classification: Likely benign for TMEM231-related condition. Last evaluated: 2026-03-25. Review status: criteria provided, single submitter. Criteria: ACMG Guidelines, 2015. Collection method: clinical testing. Allele origin: germline.
Comment: This variant is classified as likely benign based on ACMG/AMP sequence variant interpretation guidelines (Richards et al. 2015 PMID: 25741868, with internal and published modifications).

Labcorp Genetics (formerly Invitae), Labcorp
Classification: Likely benign for Joubert syndrome 20; Meckel syndrome, type 11. Last evaluated: 2026-01-12. Review status: criteria provided, single submitter. Criteria: Invitae Variant Classification Sherloc (09022015). Collection method: clinical testing. Allele origin: germline.

Blueprint Genetics
Classification: Likely benign. Last evaluated: 2023-10-13. Review status: criteria provided, single submitter. Criteria: ACMG Guidelines, 2015. Collection method: clinical testing. Allele origin: germline.

Revvity Omics, Revvity
Classification: Uncertain significance. Last evaluated: 2021-06-14. Review status: criteria provided, single submitter. Criteria: ACMG Guidelines, 2015. Collection method: clinical testing. Allele origin: germline.

NM_001077418.3(TMEM231):c.399C>T (p.Leu133=)

Gene: TMEM231 (transmembrane protein 231; minus strand). Cytogenetic location: 16q23.1.
Variant type: single nucleotide variant.
Coding change: c.399C>T on transcript NM_001077418.3 (MANE Select); coding-DNA position 399, C replaced by T.
Protein change: p.Leu133=; no amino-acid change (leucine 133 retained).
Molecular consequence: synonymous variant. On other transcripts: non-coding transcript variant (1).
Genome position (GRCh38, 1-based): chr16:75,545,865, G>A on the plus strand (C>T on the coding strand, the complement: TMEM231 is on the minus strand). VCF-style: chr16-75545865-G-A. GRCh37 (hg19) VCF-style: chr16-75579763-G-A.
Other names: c.558C>T, p.Leu186= (NM_001077416.2).
Identifiers: ClinVar variation 1647255 (VCV001647255.13), dbSNP rs534627748, ClinGen allele CA8176200.